The following is an entry in ClinVar:

ClinVar aggregate classification (germline): Uncertain significance. Review status: criteria provided, multiple submitters, no conflicts (2 of 4 stars). 2 submissions from 2 submitters: Uncertain significance (2). Last evaluated 2025-11-25.

Conditions:
Inborn genetic diseases. Identifiers: MedGen C0950123, MeSH D030342.

Submissions (2):

Labcorp Genetics (formerly Invitae), Labcorp
Classification: Uncertain significance. Last evaluated: 2025-11-25. Review status: criteria provided, single submitter. Criteria: Invitae Variant Classification Sherloc (09022015). Collection method: clinical testing. Allele origin: germline.
Comment: This sequence change replaces isoleucine, which is neutral and non-polar, with serine, which is neutral and polar, at codon 243 of the MBD4 protein (p.Ile243Ser). This variant is not present in population databases (gnomAD no frequency). This variant has not been reported in the literature in individuals affected with MBD4-related conditions. ClinVar contains an entry for this variant (Variation ID: 4104654). An algorithm developed to predict the effect of missense changes on protein structure and function outputs the following: PolyPhen-2: "Benign". The serine amino acid residue is found in multiple mammalian species, which suggests that this missense change does not adversely affect protein function. In summary, the available evidence is currently insufficient to determine the role of this variant in disease. Therefore, it has been classified as a Variant of Uncertain Significance.

Ambry Genetics
Classification: Uncertain significance for Inborn genetic diseases. Last evaluated: 2025-08-20. Review status: criteria provided, single submitter. Criteria: Ambry Variant Classification Scheme 2023. Collection method: clinical testing. Allele origin: germline.
Comment: The p.I243S variant (also known as c.728T>G), located in coding exon 3 of the MBD4 gene, results from a T to G substitution at nucleotide position 728. The isoleucine at codon 243 is replaced by serine, an amino acid with dissimilar properties. This amino acid position is conserved. In addition, this alteration is predicted to be tolerated by in silico analysis. Based on the available evidence, the clinical significance of this variant remains unclear.

NM_001276270.2(MBD4):c.728T>G (p.Ile243Ser)

Gene: MBD4 (methyl-CpG binding domain 4, DNA glycosylase; minus strand). Cytogenetic location: 3q21.3.
Variant type: single nucleotide variant.
Coding change: c.728T>G on transcript NM_001276270.2 (MANE Select); coding-DNA position 728, T replaced by G.
Protein change: p.Ile243Ser; replaces isoleucine 243 with serine.
Molecular consequence: missense variant. On other transcripts: intron variant (1).
Genome position (GRCh38, 1-based): chr3:129,436,916, A>C on the plus strand (T>G on the coding strand, the complement: MBD4 is on the minus strand). VCF-style: chr3-129436916-A-C. GRCh37 (hg19) VCF-style: chr3-129155759-A-C.
Other names: c.728T>G, p.Ile243Ser (NM_001276271.2, NM_001276272.2, NM_003925.3); c.247+892T>G (NM_001276273.2); short protein forms I243S.
Identifiers: ClinVar variation 4104654 (VCV004104654.2).